The following is an entry in ClinVar:

NM_001166108.2(PALLD):c.1467T>G (p.Ile489Met)

Gene: PALLD (palladin, cytoskeletal associated protein; plus strand). Cytogenetic location: 4q32.3.
Variant type: single nucleotide variant.
Coding change: c.1467T>G on transcript NM_001166108.2 (MANE Select); coding-DNA position 1467, T replaced by G.
Protein change: p.Ile489Met; replaces isoleucine 489 with methionine.
Molecular consequence: missense variant.
Genome position (GRCh38, 1-based): chr4:168,690,734, T>G. VCF-style: chr4-168690734-T-G. GRCh37 (hg19) VCF-style: chr4-169611885-T-G.
Other names: c.321T>G, p.Ile107Met (NM_001166109.2); c.1467T>G, p.Ile489Met (NM_016081.4); short protein forms I107M, I489M.
Identifiers: ClinVar variation 2448470 (VCV002448470.2), dbSNP rs2531652156, ClinGen allele CA358796115.

ClinVar aggregate classification (germline): Uncertain significance (1 of 4 stars; one submission).

Submission:

Ambry Genetics
Classification: Uncertain significance. Last evaluated: 2022-12-29. Review status: criteria provided, single submitter. Criteria: Ambry Variant Classification Scheme 2023. Collection method: clinical testing. Allele origin: germline.
Comment: The p.I489M variant (also known as c.1467T>G), located in coding exon 6 of the PALLD gene, results from a T to G substitution at nucleotide position 1467. The isoleucine at codon 489 is replaced by methionine, an amino acid with highly similar properties. This amino acid position is conserved. In addition, the in silico prediction for this alteration is inconclusive. Since supporting evidence is limited at this time, the clinical significance of this alteration remains unclear.